The following is an entry in ClinVar:

NM_000760.4(CSF3R):c.648A>C (p.Gln216His)

Gene: CSF3R (colony stimulating factor 3 receptor; minus strand). Cytogenetic location: 1p34.3.
Variant type: single nucleotide variant.
Coding change: c.648A>C on transcript NM_000760.4 (MANE Select); coding-DNA position 648, A replaced by C.
Protein change: p.Gln216His; replaces glutamine 216 with histidine.
Molecular consequence: missense variant.
Genome position (GRCh38, 1-based): chr1:36,473,460, T>G on the plus strand (A>C on the coding strand, the complement: CSF3R is on the minus strand). VCF-style: chr1-36473460-T-G. GRCh37 (hg19) VCF-style: chr1-36939061-T-G.
Other names: c.648A>C, p.Gln216His (NM_156039.3, NM_172313.3); c.648A>C (NM_000760.3); short protein forms Q216H.
Identifiers: ClinVar variation 1487049 (VCV001487049.8), dbSNP rs747021516, ClinGen allele CA769419.
Genomic context (GRCh38, chr1:36,473,460, plus strand): 5'-TTTTGGGGATCCCCTCCCTCCCCTGCATCACCCACCAACATCCATGGGATCAAGACACAG[T>G]TGTGGGGACATGCTGGTCCCCAGCGCATTCTCTGCCTGCACCCAGATGCCCATATTCTGG-3'
Protein context (NP_000751.1, residues 206-226): ENALGTSMSP[Gln216His]LCLDPMDVVK

ClinVar aggregate classification (germline): Uncertain significance. Review status: criteria provided, multiple submitters, no conflicts (2 of 4 stars). 3 submissions from 3 submitters: Uncertain significance (3). Last evaluated 2025-10-29.

Conditions:
Autosomal recessive severe congenital neutropenia due to CSF3R deficiency. Also called: Neutropenia, severe congenital, 7, autosomal recessive. Identifiers: Orphanet 420702, MedGen C4310764, MONDO:0014865, OMIM 617014.

Allele frequency attached by ClinVar (database versions not stated): gnomAD exomes 0.00003 and 0.00009; ExAC 0.00005; gnomAD 0.00005 and 0.00006; TOPMed 0.00010.
gnomAD v4.1: 81 of 1,613,930 alleles (0.005%); highest among the groups gnomAD compares: East Asian, 0.12%; no homozygotes.

Submissions (3):

Labcorp Genetics (formerly Invitae), Labcorp
Classification: Uncertain significance for Autosomal recessive severe congenital neutropenia due to CSF3R deficiency. Last evaluated: 2025-10-29. Review status: criteria provided, single submitter. Criteria: Invitae Variant Classification Sherloc (09022015). Collection method: clinical testing. Allele origin: germline.
Comment: This sequence change replaces glutamine, which is neutral and polar, with histidine, which is basic and polar, at codon 216 of the CSF3R protein (p.Gln216His). This variant is present in population databases (rs747021516, gnomAD 0.1%). This missense change has been observed in individual(s) with hematologic malignancies (PMID: 33108454). ClinVar contains an entry for this variant (Variation ID: 1487049). Invitae Evidence Modeling of protein sequence and biophysical properties (such as structural, functional, and spatial information, amino acid conservation, physicochemical variation, residue mobility, and thermodynamic stability) indicates that this missense variant is not expected to disrupt CSF3R protein function with a negative predictive value of 80%. In summary, the available evidence is currently insufficient to determine the role of this variant in disease. Therefore, it has been classified as a Variant of Uncertain Significance.

ARUP Laboratories, Molecular Genetics and Genomics, ARUP Laboratories
Classification: Uncertain significance. Last evaluated: 2024-11-06. Review status: criteria provided, single submitter. Criteria: ARUP Molecular Germline Variant Investigation Process 2024. Collection method: clinical testing. Allele origin: germline.
Comment: The CSF3R c.648A>C; p.Gln216His variant (rs747021516, ClinVar Variation ID 1487049) is reported in the literature in one individual with hematologic malignancy, however, the germline status of this variant was not confirmed (Trottier 2020). This variant is found predominantly in the East Asian population with an allele frequency of 0.1% (23/19944 alleles) in the Genome Aggregation Database (v2.1.1). Computational analyses predict that this variant is neutral (REVEL: 0.02). While the high population frequency suggests that this is likely a benign variant, given the lack of clinical and functional data, the significance of this variant is uncertain at this time. References: Trottier AM et al. Heterozygous germ line CSF3R variants as risk alleles for development of hematologic malignancies. Blood Adv. 2020 Oct 27. PMID: 33108454.

GeneDx
Classification: Uncertain significance. Last evaluated: 2023-02-22. Review status: criteria provided, single submitter. Criteria: GeneDx Variant Classification Process June 2021. Collection method: clinical testing. Allele origin: germline. Affected: yes.
Comment: Observed in the blood or bone marrow of individuals with hematologic malignancies (Trottier et al., 2020); In silico analysis supports that this missense variant does not alter protein structure/function; This variant is associated with the following publications: (PMID: 33108454)

Literature cited by the submitters: PubMed 33108454 (cited by Labcorp Genetics (formerly Invitae), Labcorp).